The following is an entry in ClinVar:

ClinVar aggregate classification (germline): Uncertain significance (1 of 4 stars; one submission).

Allele frequency attached by ClinVar (database versions not stated): ExAC 0.00004; TOPMed 0.00006; gnomAD 0.00007; ESP Exome Variant Server 0.00008.
gnomAD v4.1: 118 of 1,602,724 alleles (0.0074%); highest among the groups gnomAD compares: Non-Finnish European, 0.0085%; no homozygotes.

Submission:

Labcorp Genetics (formerly Invitae), Labcorp
Classification: Uncertain significance. Last evaluated: 2022-04-12. Review status: criteria provided, single submitter. Criteria: Invitae Variant Classification Sherloc (09022015). Collection method: clinical testing. Allele origin: germline.
Comment: This variant has not been reported in the literature in individuals affected with NECTIN1-related conditions. This variant is present in population databases (rs200377205, gnomAD 0.009%). This sequence change replaces valine, which is neutral and non-polar, with isoleucine, which is neutral and non-polar, at codon 28 of the NECTIN1 protein (p.Val28Ile). In summary, the available evidence is currently insufficient to determine the role of this variant in disease. Therefore, it has been classified as a Variant of Uncertain Significance. Algorithms developed to predict the effect of missense changes on protein structure and function (SIFT, PolyPhen-2, Align-GVGD) all suggest that this variant is likely to be tolerated.

NM_002855.5(NECTIN1):c.82G>A (p.Val28Ile)

Gene: NECTIN1 (nectin cell adhesion molecule 1; minus strand). Cytogenetic location: 11q23.3.
Variant type: single nucleotide variant.
Coding change: c.82G>A on transcript NM_002855.5 (MANE Select); coding-DNA position 82, G replaced by A.
Protein change: p.Val28Ile; replaces valine 28 with isoleucine.
Molecular consequence: missense variant.
Genome position (GRCh38, 1-based): chr11:119,678,763, C>T on the plus strand (G>A on the coding strand, the complement: NECTIN1 is on the minus strand). VCF-style: chr11-119678763-C-T. GRCh37 (hg19) VCF-style: chr11-119549473-C-T.
Other names: c.82G>A, p.Val28Ile (NM_203285.2, NM_203286.2); short protein forms V28I.
Identifiers: ClinVar variation 1981934 (VCV001981934.4), dbSNP rs200377205, ClinGen allele CA6322169.